The following is an entry in ClinVar:

NM_012233.3(RAB3GAP1):c.267G>A (p.Lys89=)

Gene: RAB3GAP1 (RAB3 GTPase activating protein catalytic subunit 1; plus strand). Cytogenetic location: 2q21.3.
Variant type: single nucleotide variant.
Coding change: c.267G>A on transcript NM_012233.3 (MANE Select); coding-DNA position 267, G replaced by A.
Protein change: p.Lys89=; no amino-acid change (lysine 89 retained).
Molecular consequence: synonymous variant.
Genome position (GRCh38, 1-based): chr2:135,091,114, G>A. VCF-style: chr2-135091114-G-A. GRCh37 (hg19) VCF-style: chr2-135848684-G-A.
Other names: c.267G>A, p.Lys89= (NM_001172435.2).
Identifiers: ClinVar variation 448153 (VCV000448153.16), dbSNP rs757292994, ClinGen allele CA1884472.

ClinVar aggregate classification (germline): Likely benign. Review status: criteria provided, multiple submitters, no conflicts (2 of 4 stars). 5 submissions from 5 submitters: Likely benign (5). Last evaluated 2026-04-10.

Conditions:
RAB3GAP1-related disorder. Also called: RAB3GAP1-related disorders; RAB3GAP1-related condition.
Warburg micro syndrome 1 (WARBM1). Identifiers: Orphanet 2510, MedGen C1838625, MONDO:0010822, OMIM 600118.

Allele frequency attached by ClinVar (database versions not stated): gnomAD 0.00002; gnomAD exomes 0.00003 and 0.00020; TOPMed 0.00006; ExAC 0.00022.
gnomAD v4.1: 57 of 1,594,158 alleles (0.0036%); highest among the groups gnomAD compares: Admixed American, 0.08%; no homozygotes.

Submissions (5):

PreventionGenetics, part of Exact Sciences
Classification: Likely benign for RAB3GAP1-related condition. Last evaluated: 2026-04-10. Review status: criteria provided, single submitter. Criteria: ACMG Guidelines, 2015. Collection method: clinical testing. Allele origin: germline.
Comment: This variant is classified as likely benign based on ACMG/AMP sequence variant interpretation guidelines (Richards et al. 2015 PMID: 25741868, with internal and published modifications).

Labcorp Genetics (formerly Invitae), Labcorp
Classification: Likely benign. Last evaluated: 2025-06-23. Review status: criteria provided, single submitter. Criteria: Invitae Variant Classification Sherloc (09022015). Collection method: clinical testing. Allele origin: germline.

GeneDx
Classification: Likely benign. Last evaluated: 2021-03-25. Review status: criteria provided, single submitter. Criteria: GeneDx Variant Classification Process June 2021. Collection method: clinical testing. Allele origin: germline. Affected: yes.

Illumina Laboratory Services, Illumina
Classification: Likely benign for Warburg micro syndrome 1. Last evaluated: 2017-04-28. Review status: criteria provided, single submitter. Criteria: ICSL Variant Classification Criteria 13 December 2019. Collection method: clinical testing. Allele origin: germline.
Comment: This variant was observed as part of a predisposition screen in an ostensibly healthy population. A literature search was performed for the gene, cDNA change, and amino acid change (where applicable). No publications were found based on this search. Allele frequency data from public databases allowed determination this variant is unlikely to cause disease. Therefore, this variant is classified as likely benign.

Athena Diagnostics
Classification: Likely benign. Last evaluated: 2017-02-02. Review status: criteria provided, single submitter. Criteria: Athena Diagnostics Criteria. Collection method: clinical testing. Allele origin: germline.